The following is an entry in ClinVar:

ClinVar aggregate classification (germline): Likely pathogenic (1 of 4 stars; one submission).

Conditions:
Leukocyte adhesion deficiency 1 (LAD1). Also called: LEUKOCYTE ADHESION DEFICIENCY, TYPE I; LAD 1; Lymphocyte function-associated antigen 1 immunodeficiency; LFA 1 immunodeficiency. Identifiers: Orphanet 2968, Orphanet 99842, MedGen C0398738, MONDO:0007293, OMIM 116920.

Submission:

Labcorp Genetics (formerly Invitae), Labcorp
Classification: Likely pathogenic for Leukocyte adhesion deficiency 1. Last evaluated: 2025-03-19. Review status: criteria provided, single submitter. Criteria: Invitae Variant Classification Sherloc (09022015). Collection method: clinical testing. Allele origin: germline.
Comment: This sequence change affects an acceptor splice site in intron 5 of the ITGB2 gene. It is expected to disrupt RNA splicing. Variants that disrupt the donor or acceptor splice site typically lead to a loss of protein function (PMID: 16199547), and loss-of-function variants in ITGB2 are known to be pathogenic (PMID: 22134107, 25703682). This variant is not present in population databases (gnomAD no frequency). This variant has not been reported in the literature in individuals affected with ITGB2-related conditions. Algorithms developed to predict the effect of sequence changes on RNA splicing suggest that this variant may disrupt the consensus splice site. In summary, the currently available evidence indicates that the variant is pathogenic, but additional data are needed to prove that conclusively. Therefore, this variant has been classified as Likely Pathogenic.

Literature cited by the submitters: PubMed 16199547; PubMed 22134107; PubMed 25703682.

NM_000211.5(ITGB2):c.500-1G>A

Gene: ITGB2 (integrin subunit beta 2; minus strand). Cytogenetic location: 21q22.3.
Variant type: single nucleotide variant.
Coding change: c.500-1G>A on transcript NM_000211.5 (MANE Select); the canonical splice acceptor site of the intron before coding-DNA position 500, G replaced by A.
Molecular consequence: splice acceptor variant.
Genome position (GRCh38, 1-based): chr21:44,901,734, C>T on the plus strand (G>A on the coding strand, the complement: ITGB2 is on the minus strand). VCF-style: chr21-44901734-C-T. GRCh37 (hg19) VCF-style: chr21-46321649-C-T.
Other names: c.500-1G>A (NM_001127491.3); c.293-1G>A (NM_001303238.2).
Identifiers: ClinVar variation 4772250 (VCV004772250.1).